The following is an entry in ClinVar:

ClinVar aggregate classification (germline): Pathogenic (1 of 4 stars; one submission).

Conditions:
Bloom syndrome (BLM). Also called: Bloom-Torre-Machacek syndrome. Identifiers: Orphanet 125, MedGen C0005859, MONDO:0008876, OMIM 210900.

Submission:

Labcorp Genetics (formerly Invitae), Labcorp
Classification: Pathogenic for Bloom syndrome. Last evaluated: 2025-04-16. Review status: criteria provided, single submitter. Criteria: Invitae Variant Classification Sherloc (09022015). Collection method: clinical testing. Allele origin: germline.
Comment: This sequence change creates a premature translational stop signal (p.Ser1128Tyrfs*18) in the BLM gene. It is expected to result in an absent or disrupted protein product. Loss-of-function variants in BLM are known to be pathogenic (PMID: 17407155). This variant is not present in population databases (gnomAD no frequency). This variant has not been reported in the literature in individuals affected with BLM-related conditions. For these reasons, this variant has been classified as Pathogenic.

Literature cited by the submitters: PubMed 17407155.

NM_000057.4(BLM):c.3383_3387del (p.Ser1128fs)

Gene: BLM (BLM RecQ like helicase; plus strand). Cytogenetic location: 15q26.1.
Variant type: Deletion.
Coding change: c.3383_3387del on transcript NM_000057.4 (MANE Select); coding-DNA positions 3383 to 3387, 5 bases deleted (CAGGT; older notation c.3383_3387delCAGGT).
Protein change: p.Ser1128fs; shifts the reading frame from serine 1128.
Molecular consequence: frameshift variant. On other transcripts: intron variant (1).
Genome position (GRCh38, 1-based): chr15:90,803,545-90,803,549, CAGGT deleted; deleting any 5 consecutive bases within chr15:90,803,543-90,803,549 gives the same sequence; the c. name uses the placement nearest the transcript's 3' end. VCF-style (leftmost placement, unchanged base first): chr15-90803542-AGTCAG-A. GRCh37 (hg19) VCF-style: chr15-91346772-AGTCAG-A.
Other names: c.3383_3387del, p.Ser1128fs (NM_001287246.2); c.2258_2262del, p.Ser753fs (NM_001287248.2); c.3358+5208_3358+5212del (NM_001287247.2); short protein forms S1128fs, S753fs.
Identifiers: ClinVar variation 4717572 (VCV004717572.1).